The following is an entry in ClinVar:

NM_002397.5(MEF2C):c.1293C>G (p.Tyr431Ter)

Genes: MEF2C (myocyte enhancer factor 2C; minus strand), MEF2C-AS2 (MEF2C antisense RNA 2; plus strand). Cytogenetic location: 5q14.3.
Variant type: single nucleotide variant.
Coding change: c.1293C>G on transcript NM_002397.5 (MANE Select); coding-DNA position 1293, C replaced by G.
Protein change: p.Tyr431Ter; replaces tyrosine 431 with a stop codon.
Molecular consequence: nonsense. On other transcripts: non-coding transcript variant (1), 3 prime UTR variant (9).
Genome position (GRCh38, 1-based): chr5:88,722,733, G>C on the plus strand (C>G on the coding strand, the complement: MEF2C is on the minus strand). VCF-style: chr5-88722733-G-C. GRCh37 (hg19) VCF-style: chr5-88018550-G-C.
Other names: c.1293C>G, p.Tyr431Ter (NM_001364331.2, NM_001193350.2, NM_001364329.2 and 1 more transcripts); c.1053C>G, p.Tyr351Ter (NM_001364332.2, NM_001193349.3); c.1269C>G, p.Tyr423Ter (NM_001364333.2, NM_001308002.3); c.1197C>G, p.Tyr399Ter (NM_001364334.2, NM_001364335.2, NM_001364336.2 and 2 more transcripts); c.1323C>G, p.Tyr441Ter (NM_001193347.1); c.1125C>G, p.Tyr375Ter (NM_001193348.1); c.1263C>G, p.Tyr421Ter (NM_001131005.2); c.1149C>G, p.Tyr383Ter (NM_001364344.2); and 7 more; short protein forms Y249*, Y273*, Y305*, Y351*, Y375*, Y383*, Y389*, Y391*.
Identifiers: ClinVar variation 1200415 (VCV001200415.3), dbSNP rs780925017, ClinGen allele CA3337180.

ClinVar aggregate classification (germline): Likely benign (1 of 4 stars; one submission).

Allele frequency attached by ClinVar (database versions not stated): gnomAD exomes below 0.00001; ExAC 0.00001.
gnomAD v4.1: 1 of 1,613,852 alleles (0.000062%); highest among the groups gnomAD compares: Non-Finnish European, 0.000085%; no homozygotes.

Submission:

GeneDx
Classification: Likely benign. Last evaluated: 2021-01-19. Review status: criteria provided, single submitter. Criteria: GeneDx Variant Classification Process June 2021. Collection method: clinical testing. Allele origin: germline. Affected: yes.
Comment: Has not been previously published as pathogenic or benign to our knowledge; Nonsense variant predicted to result in protein truncation as the last 43amino acids are lost, although loss-of-function variants have not been reported downstream of this position in the protein